The following is an entry in ClinVar:

ClinVar aggregate classification (germline): Uncertain significance (1 of 4 stars; one submission).

Conditions:
Emery-Dreifuss muscular dystrophy 5, autosomal dominant (EDMD5). Also called: EMERY-DREIFUSS MUSCULAR DYSTROPHY 5. Identifiers: Orphanet 261, MedGen C2751805, MONDO:0013072, OMIM 612999.

Submission:

Labcorp Genetics (formerly Invitae), Labcorp
Classification: Uncertain significance for Emery-Dreifuss muscular dystrophy 5, autosomal dominant. Last evaluated: 2022-05-19. Review status: criteria provided, single submitter. Criteria: Invitae Variant Classification Sherloc (09022015). Collection method: clinical testing. Allele origin: germline.
Comment: This sequence change affects codon 2238 of the SYNE2 mRNA. It is a 'silent' change, meaning that it does not change the encoded amino acid sequence of the SYNE2 protein. This variant also falls at the last nucleotide of exon 43, which is part of the consensus splice site for this exon. This variant is not present in population databases (gnomAD no frequency). This variant has not been reported in the literature in individuals affected with SYNE2-related conditions. Variants that disrupt the consensus splice site are a relatively common cause of aberrant splicing (PMID: 17576681, 9536098). Algorithms developed to predict the effect of sequence changes on RNA splicing suggest that this variant may create or strengthen a splice site. In summary, the available evidence is currently insufficient to determine the role of this variant in disease. Therefore, it has been classified as a Variant of Uncertain Significance.

Literature cited by the submitters: PubMed 17576681; PubMed 9536098.

NM_182914.3(SYNE2):c.6714G>A (p.Gln2238=)

Gene: SYNE2 (spectrin repeat containing nuclear envelope protein 2; plus strand). Cytogenetic location: 14q23.2.
Variant type: single nucleotide variant.
Coding change: c.6714G>A on transcript NM_182914.3 (MANE Select); coding-DNA position 6714, G replaced by A.
Protein change: p.Gln2238=; no amino-acid change (glutamine 2238 retained).
Molecular consequence: synonymous variant.
Genome position (GRCh38, 1-based): chr14:64,027,793, G>A. VCF-style: chr14-64027793-G-A. GRCh37 (hg19) VCF-style: chr14-64494511-G-A.
Other names: c.6714G>A, p.Gln2238= (NM_015180.6).
Identifiers: ClinVar variation 1996321 (VCV001996321.4), dbSNP rs2548023423, ClinGen allele CA486959252.